The following is an entry in ClinVar:

ClinVar aggregate classification (germline): Uncertain significance (1 of 4 stars; one submission).

Conditions:
Developmental and epileptic encephalopathy, 12 (DEE12). Identifiers: MedGen C3150988, MONDO:0013389, OMIM 613722.

Allele frequency attached by ClinVar (database versions not stated): gnomAD exomes below 0.00001; gnomAD 0.00001; TOPMed 0.00003.
gnomAD v4.1: 5 of 1,614,018 alleles (0.00031%); highest among the groups gnomAD compares: Non-Finnish European, 0.00017%; no homozygotes.

Submission:

Labcorp Genetics (formerly Invitae), Labcorp
Classification: Uncertain significance for Developmental and epileptic encephalopathy, 12. Last evaluated: 2021-08-27. Review status: criteria provided, single submitter. Criteria: Invitae Variant Classification Sherloc (09022015). Collection method: clinical testing. Allele origin: germline.
Comment: This sequence change replaces arginine with cysteine at codon 105 of the PNKP protein (p.Arg105Cys). The arginine residue is moderately conserved and there is a large physicochemical difference between arginine and cysteine. This variant is not present in population databases (ExAC no frequency). This variant has not been reported in the literature in individuals affected with PNKP-related conditions. Algorithms developed to predict the effect of missense changes on protein structure and function (SIFT, PolyPhen-2, Align-GVGD) all suggest that this variant is likely to be tolerated. In summary, the available evidence is currently insufficient to determine the role of this variant in disease. Therefore, it has been classified as a Variant of Uncertain Significance.

NM_007254.4(PNKP):c.313C>T (p.Arg105Cys)

Gene: PNKP (polynucleotide kinase 3'-phosphatase; minus strand). Cytogenetic location: 19q13.33.
Variant type: single nucleotide variant.
Coding change: c.313C>T on transcript NM_007254.4 (MANE Select); coding-DNA position 313, C replaced by T.
Protein change: p.Arg105Cys; replaces arginine 105 with cysteine.
Molecular consequence: missense variant.
Genome position (GRCh38, 1-based): chr19:49,865,312, G>A on the plus strand (C>T on the coding strand, the complement: PNKP is on the minus strand). VCF-style: chr19-49865312-G-A. GRCh37 (hg19) VCF-style: chr19-50368569-G-A.
Other names: short protein forms R105C.
Identifiers: ClinVar variation 641270 (VCV000641270.6), dbSNP rs1016887861, ClinGen allele CA309498650.